The following is an entry in ClinVar:

NM_139276.3(STAT3):c.1233+19C>T

Gene: STAT3 (signal transducer and activator of transcription 3; minus strand). Cytogenetic location: 17q21.2.
Variant type: single nucleotide variant.
Coding change: c.1233+19C>T on transcript NM_139276.3 (MANE Select); 19 bases into the intron after coding-DNA position 1233, C replaced by T.
Molecular consequence: intron variant.
Genome position (GRCh38, 1-based): chr17:42,329,535, G>A on the plus strand (C>T on the coding strand, the complement: STAT3 is on the minus strand). VCF-style: chr17-42329535-G-A. GRCh37 (hg19) VCF-style: chr17-40481553-G-A.
Other names: c.1233+19C>T (NM_001369519.1, NM_003150.4, NM_001369517.1 and 7 more transcripts).
Identifiers: ClinVar variation 930424 (VCV000930424.12), dbSNP rs764434579, ClinGen allele CA8575407.

ClinVar aggregate classification (germline): Conflicting classifications of pathogenicity. Review status: criteria provided, conflicting classifications (1 of 4 stars). 3 submissions from 3 submitters: Uncertain significance (1); Benign (1); Likely benign (1). Last evaluated 2025-09-01.

Conditions:
STAT3 gain of function. Identifiers: MedGen C4288261.
Hyper-IgE recurrent infection syndrome 1, autosomal dominant. Also called: Hyper-IgE recurrent infection syndrome 1; STAT3 Hyper IgE Syndrome; HYPER-IgE SYNDROME 1, AUTOSOMAL DOMINANT, WITH RECURRENT INFECTIONS; JOB SYNDROME; Job's Syndrome. Identifiers: Orphanet 2314, MedGen C2936739, MONDO:0007818, OMIM 147060.
STAT3-related early-onset multisystem autoimmune disease. Also called: Autoimmune disease, multisystem, infantile-onset, 1. Identifiers: Orphanet 438159, MedGen C4014795, MONDO:0014414, OMIM 615952.

Allele frequency attached by ClinVar (database versions not stated): ExAC 0.00007; gnomAD exomes 0.00007 and 0.00012; TOPMed 0.00008; gnomAD 0.00009 and 0.00010.

Submissions (3):

Labcorp Genetics (formerly Invitae), Labcorp
Classification: Benign for STAT3 gain of function; Hyper-IgE recurrent infection syndrome 1, autosomal dominant. Last evaluated: 2025-09-01. Review status: criteria provided, single submitter. Criteria: Invitae Variant Classification Sherloc (09022015). Collection method: clinical testing. Allele origin: germline.

Blueprint Genetics
Classification: Likely benign. Last evaluated: 2024-11-13. Review status: criteria provided, single submitter. Criteria: ACMG Guidelines, 2015. Collection method: clinical testing. Allele origin: germline.

Centre for Mendelian Genomics, University Medical Centre Ljubljana
Classification: Uncertain significance for STAT3-related early-onset multisystem autoimmune disease. Last evaluated: 2019-03-05. Review status: criteria provided, single submitter. Criteria: ACMG Guidelines, 2015. Collection method: clinical testing. Allele origin: unknown. Affected: yes.
Comment: This variant was classified as: Uncertain significance. The available evidence on this variant's pathogenicity is insufficient or conflicting. The following ACMG criteria were applied in classifying this variant: BP4.